The following is an entry in ClinVar:

ClinVar aggregate classification (germline): Conflicting classifications of pathogenicity. Review status: criteria provided, conflicting classifications (1 of 4 stars). 4 submissions from 4 submitters: Uncertain significance (2); Likely benign (1). 1 of the submissions does not count toward it. Last evaluated 2025-03-23.

Conditions:
PCNT-related disorder. Also called: PCNT-related condition.
Microcephalic osteodysplastic primordial dwarfism type II (MOPD2). Also called: Microcephalic osteodysplastic primordial dwarfism with tooth abnormalities; MOPD II; OSTEODYSPLASTIC PRIMORDIAL DWARFISM, TYPE II. Identifiers: Orphanet 2637, MedGen C0432246, MONDO:0008872, OMIM 210720.

Allele frequency attached by ClinVar (database versions not stated): TOPMed 0.00008; 1000 Genomes Project 30x 0.00016.
gnomAD v4.1: 61 of 1,612,994 alleles (0.0038%); highest among the groups gnomAD compares: Admixed American, 0.03%; no homozygotes.

Submissions (4):

Labcorp Genetics (formerly Invitae), Labcorp
Classification: Likely benign. Last evaluated: 2025-03-23. Review status: criteria provided, single submitter. Criteria: Invitae Variant Classification Sherloc (09022015). Collection method: clinical testing. Allele origin: germline.

Illumina Laboratory Services, Illumina
Classification: Uncertain significance for Microcephalic osteodysplastic primordial dwarfism type II. Last evaluated: 2018-01-15. Review status: criteria provided, single submitter. Criteria: ICSL Variant Classification Criteria 13 December 2019. Collection method: clinical testing. Allele origin: germline.

Eurofins Ntd Llc (ga)
Classification: Uncertain significance. Last evaluated: 2015-09-24. Review status: criteria provided, single submitter. Criteria: EGL Classification Definitions 2015. Collection method: clinical testing. Allele origin: germline. Observed: 1 variant allele, 1 heterozygote.

PreventionGenetics, part of Exact Sciences
Classification: Likely benign for PCNT-related condition. Last evaluated: 2021-06-17. Review status: no assertion criteria provided. Collection method: clinical testing. Allele origin: germline. Not counted in ClinVar's aggregate classification.
Comment: This variant is classified as likely benign based on ACMG/AMP sequence variant interpretation guidelines (Richards et al. 2015 PMID: 25741868, with internal and published modifications).

NM_006031.6(PCNT):c.5563C>A (p.Arg1855=)

Gene: PCNT (pericentrin; plus strand). Cytogenetic location: 21q22.3.
Variant type: single nucleotide variant.
Coding change: c.5563C>A on transcript NM_006031.6 (MANE Select); coding-DNA position 5563, C replaced by A.
Protein change: p.Arg1855=; no amino-acid change (arginine 1855 retained).
Molecular consequence: synonymous variant.
Genome position (GRCh38, 1-based): chr21:46,411,636, C>A. VCF-style: chr21-46411636-C-A. GRCh37 (hg19) VCF-style: chr21-47831550-C-A.
Other names: c.5209C>A, p.Arg1737= (NM_001315529.2).
Identifiers: ClinVar variation 282937 (VCV000282937.18), dbSNP rs151138182, ClinGen allele CA10080026.
Genomic context (GRCh38, chr21:46,411,636, plus strand): 5'-CTGGCTGAGCTGGAGCGCAATGTAGCCCTCAGGGAGGCTGAGGTCGAAGACATGGCCTCC[C>A]GGATCCAGGAGTTCGAAGCGGCCCTGAAAGCAAAGGAAGCGACGATTGCCGAGAGAAATT-3'
Protein context (NP_006022.3, residues 1845-1865): REAEVEDMAS[Arg1855=]IQEFEAALKA